The following is an entry in ClinVar:

NM_004304.5(ALK):c.3718T>G (p.Leu1240Val)

Gene: ALK (ALK receptor tyrosine kinase; minus strand). Cytogenetic location: 2p23.2.
Variant type: single nucleotide variant.
Coding change: c.3718T>G on transcript NM_004304.5 (MANE Select); coding-DNA position 3718, T replaced by G.
Protein change: p.Leu1240Val; replaces leucine 1240 with valine.
Molecular consequence: missense variant.
Genome position (GRCh38, 1-based): chr2:29,214,009, A>C on the plus strand (T>G on the coding strand, the complement: ALK is on the minus strand). VCF-style: chr2-29214009-A-C. GRCh37 (hg19) VCF-style: chr2-29436875-A-C.
Other names: c.514T>G, p.Leu172Val (NM_001353765.2); short protein forms L1240V, L172V.
Identifiers: ClinVar variation 217854 (VCV000217854.1), dbSNP rs863225282, ClinGen allele CA279618.

ClinVar aggregate classification (germline): Likely pathogenic (0 of 4 stars; one submission).

Conditions:
Neuroblastoma, susceptibility to, 3. Also called: ALK-Related Neuroblastic Tumor Susceptibility. Identifiers: Orphanet 635, MedGen C2751681, MONDO:0013083, OMIM 613014.

Submission:

Genomic Diagnostic Laboratory, Division of Genomic Diagnostics, Children's Hospital of Philadelphia
Classification: Likely pathogenic for Neuroblastoma, susceptibility to, 3. Last evaluated: 2015-11-03. Review status: no assertion criteria provided. Collection method: clinical testing. Allele origin: somatic. Affected: yes. Observed: 1 variant allele.
Comment: Clinical Testing